The following is an entry in ClinVar:

NM_001371986.1(UNC80):c.3476A>C (p.His1159Pro)

Gene: UNC80 (unc-80 subunit of NALCN channel complex; plus strand). Cytogenetic location: 2q34.
Variant type: single nucleotide variant.
Coding change: c.3476A>C on transcript NM_001371986.1 (MANE Select); coding-DNA position 3476, A replaced by C.
Protein change: p.His1159Pro; replaces histidine 1159 with proline.
Molecular consequence: missense variant.
Genome position (GRCh38, 1-based): chr2:209,849,472, A>C. VCF-style: chr2-209849472-A-C. GRCh37 (hg19) VCF-style: chr2-210714196-A-C.
Other names: c.3482A>C, p.His1161Pro (NM_032504.2); c.3467A>C, p.His1156Pro (NM_182587.4); short protein forms H1156P, H1159P, H1161P.
Identifiers: ClinVar variation 4685318 (VCV004685318.1).

ClinVar aggregate classification (germline): Uncertain significance (1 of 4 stars; one submission).

Submission:

GeneDx
Classification: Uncertain significance. Last evaluated: 2025-07-10. Review status: criteria provided, single submitter. Criteria: GeneDx Variant Classification Process June 2021. Collection method: clinical testing. Allele origin: germline. Affected: yes.
Comment: Not observed at significant frequency in large population cohorts (gnomAD); In silico analysis suggests that this missense variant does not alter protein structure/function; Has not been previously published as pathogenic or benign to our knowledge